The following is an entry in ClinVar:

ClinVar aggregate classification (germline): Uncertain significance (1 of 4 stars; one submission).

Conditions:
CNTN6-related disorder. Also called: CNTN6-related condition.

gnomAD v4.1: 9 of 1,613,146 alleles (0.00056%); highest among the groups gnomAD compares: Non-Finnish European, 0.00068%; no homozygotes.

Submission:

PreventionGenetics, part of Exact Sciences
Classification: Uncertain significance for CNTN6-related condition. Last evaluated: 2025-07-14. Review status: criteria provided, single submitter. Criteria: ACMG Guidelines, 2015. Collection method: clinical testing. Allele origin: germline.
Comment: The CNTN6 c.106A>C variant is predicted to result in the amino acid substitution p.Ile36Leu. To our knowledge, this variant has not been reported in the literature or in a large population database (gnomAD), indicating this variant is rare. At this time, the clinical significance of this variant is uncertain due to the absence of conclusive functional and genetic evidence.

NM_001289080.2(CNTN6):c.106A>C (p.Ile36Leu)

Gene: CNTN6 (contactin 6; plus strand). Cytogenetic location: 3p26.3.
Variant type: single nucleotide variant.
Coding change: c.106A>C on transcript NM_001289080.2 (MANE Select); coding-DNA position 106, A replaced by C.
Protein change: p.Ile36Leu; replaces isoleucine 36 with leucine.
Molecular consequence: missense variant. On other transcripts: 5 prime UTR variant (5).
Genome position (GRCh38, 1-based): chr3:1,220,737, A>C. VCF-style: chr3-1220737-A-C. GRCh37 (hg19) VCF-style: chr3-1262421-A-C.
Other names: c.-111A>C (NM_001289081.2); c.106A>C, p.Ile36Leu (NM_001349350.2, NM_001349351.2, NM_001349352.2 and 7 more transcripts); c.-832A>C (NM_001349359.2); c.-710A>C (NM_001349360.2); c.-1012A>C (NM_001349361.2); c.-914A>C (NM_001349362.2); short protein forms I36L.
Identifiers: ClinVar variation 4987915 (VCV004987915.1).